The following is an entry in ClinVar:

ClinVar aggregate classification (germline): Uncertain significance (1 of 4 stars; one submission).

Submission:

GeneDx
Classification: Uncertain significance. Last evaluated: 2024-01-29. Review status: criteria provided, single submitter. Criteria: GeneDx Variant Classification Process June 2021. Collection method: clinical testing. Allele origin: germline. Affected: yes.
Comment: Not observed at significant frequency in large population cohorts (gnomAD); In silico analysis supports that this missense variant does not alter protein structure/function; Has not been previously published as pathogenic or benign to our knowledge

NM_021008.4(DEAF1):c.585C>G (p.Asp195Glu)

Gene: DEAF1 (DEAF1 transcription factor; minus strand). Cytogenetic location: 11p15.5.
Variant type: single nucleotide variant.
Coding change: c.585C>G on transcript NM_021008.4 (MANE Select); coding-DNA position 585, C replaced by G.
Protein change: p.Asp195Glu; replaces aspartic acid 195 with glutamic acid.
Molecular consequence: missense variant. On other transcripts: 5 prime UTR variant (1).
Genome position (GRCh38, 1-based): chr11:687,990, G>C on the plus strand (C>G on the coding strand, the complement: DEAF1 is on the minus strand). VCF-style: chr11-687990-G-C. GRCh37 (hg19) VCF-style: chr11-687990-G-C.
Other names: c.585C>G, p.Asp195Glu (NM_001293634.2); c.-142C>G (NM_001367390.1); short protein forms D195E.
Identifiers: ClinVar variation 3368502 (VCV003368502.1).